The following is an entry in ClinVar:

ClinVar aggregate classification (germline): Uncertain significance (1 of 4 stars; one submission).

Conditions:
Inborn genetic diseases. Identifiers: MedGen C0950123, MeSH D030342.

Submission:

Ambry Genetics
Classification: Uncertain significance for Inborn genetic diseases. Last evaluated: 2025-07-09. Review status: criteria provided, single submitter. Criteria: Ambry Variant Classification Scheme 2023. Collection method: clinical testing. Allele origin: germline.
Comment: The p.Q217H variant (also known as c.651G>T), located in coding exon 7 of the RTEL1 gene, results from a G to T substitution at nucleotide position 651. The glutamine at codon 217 is replaced by histidine, an amino acid with highly similar properties. This amino acid position is conserved. In addition, this alteration is predicted to be tolerated by in silico analysis. Based on the available evidence, the clinical significance of this variant remains unclear.

NM_001283009.2(RTEL1):c.651G>T (p.Gln217His)

Genes: RTEL1 (regulator of telomere elongation helicase 1; plus strand), RTEL1-TNFRSF6B (RTEL1-TNFRSF6B readthrough (NMD candidate); plus strand). Cytogenetic location: 20q13.33.
Variant type: single nucleotide variant.
Coding change: c.651G>T on transcript NM_001283009.2 (MANE Select); coding-DNA position 651, G replaced by T.
Protein change: p.Gln217His; replaces glutamine 217 with histidine.
Molecular consequence: missense variant. On other transcripts: non-coding transcript variant (1), 5 prime UTR variant (1).
Genome position (GRCh38, 1-based): chr20:63,667,505, G>T. VCF-style: chr20-63667505-G-T. GRCh37 (hg19) VCF-style: chr20-62298858-G-T.
Other names: c.-19G>T (NM_001283010.1); c.651G>T, p.Gln217His (NM_016434.4); c.723G>T, p.Gln241His (NM_032957.5); short protein forms Q217H, Q241H.
Identifiers: ClinVar variation 4157592 (VCV004157592.1).